The following is an entry in ClinVar:

NM_021625.5(TRPV4):c.57C>T (p.Pro19=)

Gene: TRPV4 (transient receptor potential cation channel subfamily V member 4; minus strand). Cytogenetic location: 12q24.11.
Variant type: single nucleotide variant.
Coding change: c.57C>T on transcript NM_021625.5 (MANE Select); coding-DNA position 57, C replaced by T.
Protein change: p.Pro19=; no amino-acid change (proline 19 retained).
Molecular consequence: synonymous variant.
Genome position (GRCh38, 1-based): chr12:109,814,740, G>A on the plus strand (C>T on the coding strand, the complement: TRPV4 is on the minus strand). VCF-style: chr12-109814740-G-A. GRCh37 (hg19) VCF-style: chr12-110252545-G-A.
Other names: p.Pro19=; c.57C>T, p.Pro19= (NM_001177428.2, NM_001177431.2, NM_001177433.2 and 1 more transcripts).
Identifiers: ClinVar variation 440358 (VCV000440358.49), dbSNP rs112408790, ClinGen allele CA6780627.
Genomic context (GRCh38, chr12:109,814,740, plus strand): 5'-CAGATTGGCCAGGGAGGAGAGAGGAAAAGCCTCCCCACCTGGGGTGCCACTCTCATCCCC[G>A]GGGAGCTCAGCCACCTCCCCGGGCCCCGCGCGGGGGCCTTCGCTGGAATCCGCCATGCCT-3'
Protein context (NP_067638.3, residues 9-29): RAGPGEVAEL[Pro19=]GDESGTPGGE

ClinVar aggregate classification (germline): Benign/Likely benign. Review status: criteria provided, multiple submitters, no conflicts (2 of 4 stars). 10 submissions from 10 submitters: Benign (5); Likely benign (5). Last evaluated 2026-01-13.

Conditions:
TRPV4-related disorder. Also called: TRPV4-related disorders; TRPV4-related condition.
Charcot-Marie-Tooth disease. Also called: Charcot-Marie-Tooth Neuropathy; Charcot-Marie-Tooth Hereditary Neuropathy. Identifiers: Orphanet 166, MedGen C0007959, MONDO:0015626.
Charcot-Marie-Tooth disease axonal type 2C (HMSN2C). Also called: Charcot-Marie-Tooth Disease Type 2, TRPV4-Related (CMT2C); CHARCOT-MARIE-TOOTH DISEASE, AXONAL, AUTOSOMAL DOMINANT, TYPE 2C; Charcot-Marie-Tooth Neuropathy Type 2C. Identifiers: Orphanet 99937, MedGen C1853710, MONDO:0011633, OMIM 606071.
Inborn genetic diseases. Identifiers: MedGen C0950123, MeSH D030342.

Allele frequency attached by ClinVar (database versions not stated): gnomAD exomes 0.00018 and 0.00040; ExAC 0.00070; ESP Exome Variant Server 0.00131; gnomAD 0.00156 and 0.00161; TOPMed 0.00171; 1000 Genomes Project 30x 0.00203; 1000 Genomes Project 0.00220.
gnomAD v4.1: 509 of 1,587,004 alleles (0.032%); highest among the groups gnomAD compares: African/African-American, 0.53%; 1 homozygote.

Submissions (10):

Labcorp Genetics (formerly Invitae), Labcorp
Classification: Benign for Charcot-Marie-Tooth disease axonal type 2C. Last evaluated: 2026-01-13. Review status: criteria provided, single submitter. Criteria: Invitae Variant Classification Sherloc (09022015). Collection method: clinical testing. Allele origin: germline.

PreventionGenetics, part of Exact Sciences
Classification: Benign for TRPV4-related condition. Last evaluated: 2025-02-19. Review status: criteria provided, single submitter. Criteria: ACMG Guidelines, 2015. Collection method: clinical testing. Allele origin: germline.
Comment: This variant is classified as benign based on ACMG/AMP sequence variant interpretation guidelines (Richards et al. 2015 PMID: 25741868, with internal and published modifications).

Blueprint Genetics
Classification: Likely benign. Last evaluated: 2024-06-11. Review status: criteria provided, single submitter. Criteria: ACMG Guidelines, 2015. Collection method: clinical testing. Allele origin: germline.

CeGaT Center for Human Genetics Tuebingen
Classification: Likely benign. Last evaluated: 2022-12-01. Review status: criteria provided, single submitter. Criteria: CeGaT Center For Human Genetics Tuebingen Variant Classification Criteria Version 2. Collection method: clinical testing. Allele origin: germline. Affected: yes. Observed: 1 variant allele.
Comment: TRPV4: BP4, BP7

Mayo Clinic Laboratories, Mayo Clinic
Classification: Benign. Last evaluated: 2022-06-06. Review status: criteria provided, single submitter. Criteria: ACMG Guidelines, 2015. Collection method: clinical testing. Allele origin: germline. Observed: 3 variant alleles.
Comment: BS1, BS2

Athena Diagnostics
Classification: Benign. Last evaluated: 2021-03-03. Review status: criteria provided, single submitter. Criteria: Athena Diagnostics criteria. Collection method: clinical testing. Allele origin: unknown.

GeneDx
Classification: Likely benign. Last evaluated: 2020-12-07. Review status: criteria provided, single submitter. Criteria: GeneDx Variant Classification Process June 2021. Collection method: clinical testing. Allele origin: germline. Affected: yes.

Ambry Genetics
Classification: Likely benign for Inborn genetic diseases. Last evaluated: 2019-07-11. Review status: criteria provided, single submitter. Criteria: Ambry Variant Classification Scheme 2023. Collection method: clinical testing. Allele origin: germline.

ARUP Laboratories, Molecular Genetics and Genomics, ARUP Laboratories
Classification: Likely benign. Last evaluated: 2016-08-01. Review status: criteria provided, single submitter. Criteria: ARUP Molecular Germline Variant Investigation Process. Collection method: clinical testing. Allele origin: germline.

Molecular Genetics Laboratory, London Health Sciences Centre
Classification: Benign for Charcot-Marie-Tooth disease. Review status: criteria provided, single submitter. Criteria: ACMG Guidelines, 2015. Collection method: clinical testing. Allele origin: germline. Affected: yes.